The following is an entry in ClinVar:

NM_152424.4(AMER1):c.1140GGA[1] (p.Glu387del)

Gene: AMER1 (APC membrane recruitment protein 1; minus strand). Cytogenetic location: Xq11.2.
Variant type: Microsatellite.
Coding change: c.1140GGA[1] on transcript NM_152424.4 (MANE Select); one copy of the 3-base unit GGA starting at c.1140; the reference has two copies in a row; one copy, 3 bases deleted.
Protein change: p.Glu387del; deletes glutamic acid 387.
Genome position (GRCh38, 1-based): chrX:64,192,142-64,192,144, TCC deleted on the plus strand (GGA on the coding strand, the reverse complement: AMER1 is on the minus strand); deleting any 3 consecutive bases within chrX:64,192,142-64,192,149 gives the same sequence; the position shown is the placement nearest the transcript's 3' end. VCF-style (leftmost placement, unchanged base first): chrX-64192141-TTCC-T. GRCh37 (hg19) VCF-style: chrX-63412021-TTCC-T.
Other names: short protein forms E387del.
Identifiers: ClinVar variation 3685658 (VCV003685658.2).

ClinVar aggregate classification (germline): Uncertain significance (1 of 4 stars; one submission).

Submission:

Labcorp Genetics (formerly Invitae), Labcorp
Classification: Uncertain significance. Last evaluated: 2024-03-21. Review status: criteria provided, single submitter. Criteria: Invitae Variant Classification Sherloc (09022015). Collection method: clinical testing. Allele origin: germline.
Comment: This variant, c.1143_1145del, results in the deletion of 1 amino acid(s) of the AMER1 protein (p.Glu387del), but otherwise preserves the integrity of the reading frame. This variant is present in population databases (no rsID available, gnomAD 0.008%). This variant has not been reported in the literature in individuals affected with AMER1-related conditions. Experimental studies and prediction algorithms are not available or were not evaluated, and the functional significance of this variant is currently unknown. In summary, the available evidence is currently insufficient to determine the role of this variant in disease. Therefore, it has been classified as a Variant of Uncertain Significance.